The following is an entry in ClinVar:

ClinVar aggregate classification (germline): Uncertain significance. Review status: criteria provided, multiple submitters, no conflicts (2 of 4 stars). 7 submissions from 7 submitters: Uncertain significance (6). 1 of the submissions does not count toward it. Last evaluated 2025-09-25.

Conditions:
Inborn genetic diseases. Identifiers: MedGen C0950123, MeSH D030342.
Ehlers-Danlos syndrome, dermatosparaxis type. Also called: Ehlers-Danlos syndrome, type VII, autosomal recessive; EDS VIIC; Dermatosparaxis. Identifiers: Orphanet 1901, MedGen C2700425, MONDO:0009161, OMIM 225410.

Allele frequency attached by ClinVar (database versions not stated): ExAC 0.00003; gnomAD exomes 0.00003; TOPMed 0.00003; gnomAD 0.00006.
gnomAD v4.1: 52 of 1,608,754 alleles (0.0032%); highest among the groups gnomAD compares: East Asian, 0.0045%; no homozygotes.

Submissions (7):

Women's Health and Genetics/Laboratory Corporation of America, LabCorp
Classification: Uncertain significance. Last evaluated: 2025-09-25. Review status: criteria provided, single submitter. Criteria: LabCorp Variant Classification Summary - May 2015. Collection method: clinical testing. Allele origin: germline.
Comment: Variant summary: ADAMTS2 c.1511C>T (p.Thr504Met) results in a non-conservative amino acid change in the encoded protein sequence. Algorithms developed to predict the effect of missense changes on protein structure and function are either unavailable or do not agree on the potential impact of this missense change. The variant allele was found at a frequency of 3.3e-05 in 245758 control chromosomes. The available data on variant occurrences in the general population are insufficient to allow any conclusion about variant significance. To our knowledge, no occurrence of c.1511C>T in individuals affected with ADAMTS2-related conditions and no experimental evidence demonstrating its impact on protein function have been reported. ClinVar contains an entry for this variant (Variation ID: 493425). Based on the evidence outlined above, the variant was classified as uncertain significance.

Mayo Clinic Laboratories, Mayo Clinic
Classification: Uncertain significance. Last evaluated: 2023-07-26. Review status: criteria provided, single submitter. Criteria: ACMG Guidelines, 2015. Collection method: clinical testing. Allele origin: germline. Observed: 1 variant allele.

Ambry Genetics
Classification: Uncertain significance for Inborn genetic diseases. Last evaluated: 2021-12-06. Review status: criteria provided, single submitter. Criteria: Ambry Variant Classification Scheme 2023. Collection method: clinical testing. Allele origin: germline.

Labcorp Genetics (formerly Invitae), Labcorp
Classification: Uncertain significance for Ehlers-Danlos syndrome, dermatosparaxis type. Last evaluated: 2021-08-30. Review status: criteria provided, single submitter. Criteria: Invitae Variant Classification Sherloc (09022015). Collection method: clinical testing. Allele origin: germline.
Comment: This sequence change replaces threonine with methionine at codon 504 of the ADAMTS2 protein (p.Thr504Met). The threonine residue is highly conserved and there is a moderate physicochemical difference between threonine and methionine. This variant is present in population databases (rs765595538, ExAC 0.009%). This variant has not been reported in the literature in individuals affected with ADAMTS2-related conditions. ClinVar contains an entry for this variant (Variation ID: 493425). Algorithms developed to predict the effect of missense changes on protein structure and function (SIFT, PolyPhen-2, Align-GVGD) all suggest that this variant is likely to be disruptive. In summary, the available evidence is currently insufficient to determine the role of this variant in disease. Therefore, it has been classified as a Variant of Uncertain Significance.

GeneDx
Classification: Uncertain significance. Last evaluated: 2021-06-17. Review status: criteria provided, single submitter. Criteria: GeneDx Variant Classification Process June 2021. Collection method: clinical testing. Allele origin: germline. Affected: yes.
Comment: Not observed at significant frequency in large population cohorts (Lek et al., 2016); In silico analysis supports that this missense variant has a deleterious effect on protein structure/function; Has not been previously published as pathogenic or benign to our knowledge; This variant is associated with the following publications: (PMID: 27535533, 26582918)

CeGaT Center for Human Genetics Tuebingen
Classification: Uncertain significance. Last evaluated: 2019-07-01. Review status: criteria provided, single submitter. Criteria: CeGaT Center For Human Genetics Tuebingen Variant Classification Criteria Version 2. Collection method: clinical testing. Allele origin: germline. Affected: yes. Observed: 2 variant alleles.

Natera, Inc.
Classification: Uncertain significance for Ehlers-Danlos syndrome type VIIC. Last evaluated: 2019-10-28. Review status: no assertion criteria provided. Collection method: clinical testing. Allele origin: germline. Not counted in ClinVar's aggregate classification.

NM_014244.5(ADAMTS2):c.1511C>T (p.Thr504Met)

Gene: ADAMTS2 (ADAM metallopeptidase with thrombospondin type 1 motif 2; minus strand). Cytogenetic location: 5q35.3.
Variant type: single nucleotide variant.
Coding change: c.1511C>T on transcript NM_014244.5 (MANE Select); coding-DNA position 1511, C replaced by T.
Protein change: p.Thr504Met; replaces threonine 504 with methionine.
Molecular consequence: missense variant.
Genome position (GRCh38, 1-based): chr5:179,153,495, G>A on the plus strand (C>T on the coding strand, the complement: ADAMTS2 is on the minus strand). VCF-style: chr5-179153495-G-A. GRCh37 (hg19) VCF-style: chr5-178580496-G-A.
Other names: p.Thr504Met; c.1511C>T, p.Thr504Met (NM_021599.4); short protein forms T504M.
Identifiers: ClinVar variation 493425 (VCV000493425.53), dbSNP rs765595538, ClinGen allele CA3595898.